The following is an entry in ClinVar:

ClinVar aggregate classification (germline): Uncertain significance (1 of 4 stars; one submission).

Conditions:
Congenital hyperammonemia, type I. Also called: CPS I DEFICIENCY; Carbamoyl phosphate synthetase 1 deficiency; Hyperammonemia due to carbamoyl phosphate synthetase 1 deficiency; CPS 1 deficiency; Carbamyl phosphate synthetase (CPS) deficiency; Carbamoyl phosphate synthetase I deficiency disease. Identifiers: Orphanet 147, MedGen C4082171, MONDO:0009376, OMIM 237300.

Submission:

Labcorp Genetics (formerly Invitae), Labcorp
Classification: Uncertain significance for Congenital hyperammonemia, type I. Last evaluated: 2022-07-19. Review status: criteria provided, single submitter. Criteria: Invitae Variant Classification Sherloc (09022015). Collection method: clinical testing. Allele origin: germline.
Comment: In summary, the available evidence is currently insufficient to determine the role of this variant in disease. Therefore, it has been classified as a Variant of Uncertain Significance. Algorithms developed to predict the effect of missense changes on protein structure and function are either unavailable or do not agree on the potential impact of this missense change (SIFT: "Deleterious"; PolyPhen-2: "Probably Damaging"; Align-GVGD: "Class C0"). ClinVar contains an entry for this variant (Variation ID: 863698). This variant has not been reported in the literature in individuals affected with CPS1-related conditions. This variant is not present in population databases (gnomAD no frequency). This sequence change replaces aspartic acid, which is acidic and polar, with valine, which is neutral and non-polar, at codon 1458 of the CPS1 protein (p.Asp1458Val).

NM_001875.5(CPS1):c.4373A>T (p.Asp1458Val)

Gene: CPS1 (carbamoyl-phosphate synthase 1; plus strand). Cytogenetic location: 2q34.
Variant type: single nucleotide variant.
Coding change: c.4373A>T on transcript NM_001875.5 (MANE Select); coding-DNA position 4373, A replaced by T.
Protein change: p.Asp1458Val; replaces aspartic acid 1458 with valine.
Molecular consequence: missense variant. On other transcripts: non-coding transcript variant (2).
Genome position (GRCh38, 1-based): chr2:210,677,105, A>T. VCF-style: chr2-210677105-A-T. GRCh37 (hg19) VCF-style: chr2-211541829-A-T.
Other names: c.4373A>T, p.Asp1458Val (NM_001122633.3, NM_001369257.1); c.4406A>T, p.Asp1469Val (NM_001369256.1); short protein forms D1458V, D1469V.
Identifiers: ClinVar variation 863698 (VCV000863698.11), dbSNP rs1701560653, ClinGen allele CA350441087.